The following is an entry in ClinVar:

ClinVar aggregate classification (germline): Uncertain significance (1 of 4 stars; one submission).

Conditions:
Immunodeficiency 104. Also called: Severe combined immunodeficiency, autosomal recessive, T cell-negative, B cell-positive, NK cell-positive; Severe Combined Immune Deficiency, Autosomal Recessive, TCell -Negative, B Cell-Positive, NK Cell-Positive, IL7R-Related; IMMUNODEFICIENCY 104, SEVERE COMBINED; SCID, AUTOSOMAL RECESSIVE, T CELL-NEGATIVE, B CELL-POSITIVE, NK CELL-POSITIVE. Identifiers: MedGen C5676890, MONDO:0012163, OMIM 608971.

Allele frequency attached by ClinVar (database versions not stated): gnomAD exomes below 0.00001.
gnomAD v4.1: 1 of 1,614,148 alleles (0.000062%); highest among the groups gnomAD compares: Non-Finnish European, 0.000085%; no homozygotes.

Submission:

Labcorp Genetics (formerly Invitae), Labcorp
Classification: Uncertain significance for Immunodeficiency 104. Last evaluated: 2024-11-05. Review status: criteria provided, single submitter. Criteria: Invitae Variant Classification Sherloc (09022015). Collection method: clinical testing. Allele origin: germline.
Comment: This sequence change replaces asparagine, which is neutral and polar, with histidine, which is basic and polar, at codon 80 of the PTPRC protein (p.Asn80His). This variant is not present in population databases (gnomAD no frequency). This variant has not been reported in the literature in individuals affected with PTPRC-related conditions. ClinVar contains an entry for this variant (Variation ID: 2069358). An algorithm developed to predict the effect of missense changes on protein structure and function (PolyPhen-2) suggests that this variant is likely to be tolerated. In summary, the available evidence is currently insufficient to determine the role of this variant in disease. Therefore, it has been classified as a Variant of Uncertain Significance.

NM_002838.5(PTPRC):c.238A>C (p.Asn80His)

Gene: PTPRC (protein tyrosine phosphatase receptor type C; plus strand). Cytogenetic location: 1q31.3.
Variant type: single nucleotide variant.
Coding change: c.238A>C on transcript NM_002838.5 (MANE Select); coding-DNA position 238, A replaced by C.
Protein change: p.Asn80His; replaces asparagine 80 with histidine.
Molecular consequence: missense variant. On other transcripts: intron variant (1).
Genome position (GRCh38, 1-based): chr1:198,696,849, A>C. VCF-style: chr1-198696849-A-C. GRCh37 (hg19) VCF-style: chr1-198665978-A-C.
Other names: c.100+4476A>C (NM_080921.4); short protein forms N80H.
Identifiers: ClinVar variation 2069358 (VCV002069358.4), dbSNP rs2527744250, ClinGen allele CA344096971.